The following is an entry in ClinVar:

ClinVar aggregate classification (germline): Uncertain significance (1 of 4 stars; one submission).

Submission:

Labcorp Genetics (formerly Invitae), Labcorp
Classification: Uncertain significance. Last evaluated: 2022-02-01. Review status: criteria provided, single submitter. Criteria: Invitae Variant Classification Sherloc (09022015). Collection method: clinical testing. Allele origin: germline.
Comment: This sequence change replaces aspartic acid, which is acidic and polar, with histidine, which is basic and polar, at codon 985 of the ARHGAP31 protein (p.Asp985His). In summary, the available evidence is currently insufficient to determine the role of this variant in disease. Therefore, it has been classified as a Variant of Uncertain Significance. Algorithms developed to predict the effect of missense changes on protein structure and function are either unavailable or do not agree on the potential impact of this missense change (SIFT: "Tolerated"; PolyPhen-2: "Possibly Damaging"; Align-GVGD: "Class C0"). This variant has not been reported in the literature in individuals affected with ARHGAP31-related conditions. This variant is not present in population databases (gnomAD no frequency).

NM_020754.4(ARHGAP31):c.2953G>C (p.Asp985His)

Gene: ARHGAP31 (Rho GTPase activating protein 31; plus strand). Cytogenetic location: 3q13.33.
Variant type: single nucleotide variant.
Coding change: c.2953G>C on transcript NM_020754.4 (MANE Select); coding-DNA position 2953, G replaced by C.
Protein change: p.Asp985His; replaces aspartic acid 985 with histidine.
Molecular consequence: missense variant.
Genome position (GRCh38, 1-based): chr3:119,414,882, G>C. VCF-style: chr3-119414882-G-C. GRCh37 (hg19) VCF-style: chr3-119133729-G-C.
Other names: short protein forms D985H.
Identifiers: ClinVar variation 1391499 (VCV001391499.6), dbSNP rs2107647312, ClinGen allele CA354054085.
Genomic context (GRCh38, chr3:119,414,882, plus strand): 5'-TGGACTCTCGAGGTTCCCTCCTCCAGCAGCTGTGCTAATCTTGAAACAGAGAGGAATTCT[G>C]ACCCTCTTCAGCCCCAGGCACCCAGGAGAGAGATTACTGGATGGGATGAGAAAGCCCTGA-3'
Protein context (NP_065805.2, residues 975-995): CANLETERNS[Asp985His]PLQPQAPRRE